The following is an entry in ClinVar:

NM_000038.6(APC):c.5434A>G (p.Lys1812Glu)

Gene: APC (APC regulator of Wnt signaling pathway; plus strand). Cytogenetic location: 5q22.2.
Variant type: single nucleotide variant.
Coding change: c.5434A>G on transcript NM_000038.6 (MANE Select); coding-DNA position 5434, A replaced by G.
Protein change: p.Lys1812Glu; replaces lysine 1812 with glutamic acid.
Molecular consequence: missense variant.
Genome position (GRCh38, 1-based): chr5:112,841,028, A>G. VCF-style: chr5-112841028-A-G. GRCh37 (hg19) VCF-style: chr5-112176725-A-G.
Other names: c.5434A>G, p.Lys1812Glu (NM_001127510.3, NM_001354895.2); c.5380A>G, p.Lys1794Glu (NM_001127511.3); c.5488A>G, p.Lys1830Glu (NM_001354896.2); c.5464A>G, p.Lys1822Glu (NM_001354897.2); c.5359A>G, p.Lys1787Glu (NM_001354898.2); c.5350A>G, p.Lys1784Glu (NM_001354899.2); c.5311A>G, p.Lys1771Glu (NM_001354900.2); c.5257A>G, p.Lys1753Glu (NM_001354901.2); and 5 more; short protein forms K1794E, K1812E, K1686E, K1753E, K1784E, K1830E, K1771E, K1822E.
Identifiers: ClinVar variation 482292 (VCV000482292.16), dbSNP rs1320552799, ClinGen allele CA16033210.

ClinVar aggregate classification (germline): Uncertain significance. Review status: criteria provided, multiple submitters, no conflicts (2 of 4 stars). 3 submissions from 3 submitters: Uncertain significance (3). Last evaluated 2025-07-07.

Conditions:
Hereditary cancer-predisposing syndrome. Also called: Neoplastic Syndromes, Hereditary; Tumor predisposition; Hereditary Cancer Syndrome; Hereditary neoplastic syndrome. Identifiers: Orphanet 140162, MedGen C0027672, MeSH D009386, MONDO:0015356.
Familial adenomatous polyposis 1 (FAP1). Also called: FAMILIAL ADENOMATOUS POLYPOSIS 1, ATTENUATED; POLYPOSIS, ADENOMATOUS INTESTINAL. Identifiers: MedGen C2713442, MONDO:0021056, OMIM 175100. Disease mechanism: loss of function.

Allele frequency attached by ClinVar (database versions not stated): TOPMed 0.00001.
gnomAD v4.1: 1 of 1,611,142 alleles (0.000062%); highest among the groups gnomAD compares: African/African-American, 0.0013%; no homozygotes.

Submissions (3):

Labcorp Genetics (formerly Invitae), Labcorp
Classification: Uncertain significance for Familial adenomatous polyposis 1. Last evaluated: 2025-07-07. Review status: criteria provided, single submitter. Criteria: Invitae Variant Classification Sherloc (09022015). Collection method: clinical testing. Allele origin: germline.
Comment: This sequence change replaces lysine, which is basic and polar, with glutamic acid, which is acidic and polar, at codon 1812 of the APC protein (p.Lys1812Glu). This variant is not present in population databases (gnomAD no frequency). This variant has not been reported in the literature in individuals affected with APC-related conditions. ClinVar contains an entry for this variant (Variation ID: 482292). Invitae Evidence Modeling of protein sequence and biophysical properties (such as structural, functional, and spatial information, amino acid conservation, physicochemical variation, residue mobility, and thermodynamic stability) indicates that this missense variant is not expected to disrupt APC protein function with a negative predictive value of 95%. In summary, the available evidence is currently insufficient to determine the role of this variant in disease. Therefore, it has been classified as a Variant of Uncertain Significance.

Ambry Genetics
Classification: Uncertain significance for Hereditary cancer-predisposing syndrome. Last evaluated: 2023-10-04. Review status: criteria provided, single submitter. Criteria: Ambry Variant Classification Scheme 2023. Collection method: clinical testing. Allele origin: germline.
Comment: The p.K1812E variant (also known as c.5434A>G), located in coding exon 15 of the APC gene, results from an A to G substitution at nucleotide position 5434. The lysine at codon 1812 is replaced by glutamic acid, an amino acid with similar properties. This amino acid position is well conserved in available vertebrate species. In addition, in silico predictors for this gene do not accurately predict pathogenicity. Since supporting evidence is limited at this time, the clinical significance of this alteration remains unclear.

Color Diagnostics, LLC DBA Color Health
Classification: Uncertain significance for Hereditary cancer-predisposing syndrome. Last evaluated: 2019-02-28. Review status: criteria provided, single submitter. Criteria: ACMG Guidelines, 2015. Collection method: clinical testing. Allele origin: germline.